The following is an entry in ClinVar:

ClinVar aggregate classification (germline): Pathogenic (1 of 4 stars; one submission).

Conditions:
Charcot-Marie-Tooth disease, type I (CMT1). Also called: Charcot-Marie-Tooth, Type 1; Charcot-Marie-Tooth disease type 1. Identifiers: Orphanet 65753, MedGen C0751036, MONDO:0019011.

Submission:

Labcorp Genetics (formerly Invitae), Labcorp
Classification: Pathogenic for Charcot-Marie-Tooth disease, type I. Last evaluated: 2019-12-23. Review status: criteria provided, single submitter. Criteria: Invitae Variant Classification Sherloc (09022015). Collection method: clinical testing. Allele origin: germline.
Comment: This sequence change creates a premature translational stop signal (p.Ile112Serfs*5) in the MPZ gene. It is expected to result in an absent or disrupted protein product. This variant is not present in population databases (ExAC no frequency). For these reasons, this variant has been classified as Pathogenic. Loss-of-function variants in MPZ are known to be pathogenic (PMID: 14711881). This variant has not been reported in the literature in individuals with MPZ-related conditions.

Literature cited by the submitters: PubMed 14711881.

NM_000530.8(MPZ):c.333_336del (p.Ile112fs)

Gene: MPZ (myelin protein zero; minus strand). Cytogenetic location: 1q23.3.
Variant type: Deletion.
Coding change: c.333_336del on transcript NM_000530.8 (MANE Select); coding-DNA positions 333 to 336, 4 bases deleted (CATT; older notation c.333_336delCATT).
Protein change: p.Ile112fs; shifts the reading frame from isoleucine 112.
Molecular consequence: frameshift variant.
Genome position (GRCh38, 1-based): chr1:161,306,820-161,306,823, AATG deleted on the plus strand (CATT on the coding strand, the reverse complement: MPZ is on the minus strand). VCF-style (leftmost placement, unchanged base first): chr1-161306819-CAATG-C. GRCh37 (hg19) VCF-style: chr1-161276609-CAATG-C.
Other names: c.333_336del, p.Ile112fs (NM_001315491.2); short protein forms I112fs.
Identifiers: ClinVar variation 835791 (VCV000835791.8), dbSNP rs1670264356, ClinGen allele CA916080240.